The following is an entry in ClinVar:

ClinVar aggregate classification (germline): Uncertain significance (1 of 4 stars; one submission).

Conditions:
Hereditary cancer-predisposing syndrome. Also called: Neoplastic Syndromes, Hereditary; Tumor predisposition; Hereditary neoplastic syndrome; Hereditary Cancer Syndrome. Identifiers: Orphanet 140162, MedGen C0027672, MeSH D009386, MONDO:0015356.

Submission:

Ambry Genetics
Classification: Uncertain significance for Hereditary cancer-predisposing syndrome. Last evaluated: 2024-02-17. Review status: criteria provided, single submitter. Criteria: Ambry Variant Classification Scheme 2023. Collection method: clinical testing. Allele origin: germline.
Comment: The p.E133G variant (also known as c.398A>G), located in coding exon 4 of the SDHAF2 gene, results from an A to G substitution at nucleotide position 398. The glutamic acid at codon 133 is replaced by glycine, an amino acid with similar properties. This amino acid position is conserved. In addition, the in silico prediction for this alteration is inconclusive. Based on the available evidence, the clinical significance of this alteration remains unclear.

NM_017841.4(SDHAF2):c.398A>G (p.Glu133Gly)

Gene: SDHAF2 (succinate dehydrogenase complex assembly factor 2; plus strand). Cytogenetic location: 11q12.2.
Variant type: single nucleotide variant.
Coding change: c.398A>G on transcript NM_017841.4 (MANE Select); coding-DNA position 398, A replaced by G.
Protein change: p.Glu133Gly; replaces glutamic acid 133 with glycine.
Molecular consequence: missense variant.
Genome position (GRCh38, 1-based): chr11:61,445,968, A>G. VCF-style: chr11-61445968-A-G. GRCh37 (hg19) VCF-style: chr11-61213440-A-G.
Other names: short protein forms E133G.
Identifiers: ClinVar variation 3227057 (VCV003227057.1), dbSNP rs2134901964, ClinGen allele CA380685292.